The following is an entry in ClinVar:

NM_004764.5(PIWIL1):c.1893C>T (p.Ile631=)

Gene: PIWIL1 (piwi like RNA-mediated gene silencing 1; plus strand). Cytogenetic location: 12q24.33.
Variant type: single nucleotide variant.
Coding change: c.1893C>T on transcript NM_004764.5 (MANE Select); coding-DNA position 1893, C replaced by T.
Protein change: p.Ile631=; no amino-acid change (isoleucine 631 retained).
Molecular consequence: synonymous variant.
Genome position (GRCh38, 1-based): chr12:130,361,524, C>T. VCF-style: chr12-130361524-C-T. GRCh37 (hg19) VCF-style: chr12-130846069-C-T.
Other names: c.1893C>T, p.Ile631= (NM_001190971.2).
Identifiers: ClinVar variation 3045433 (VCV003045433.2), dbSNP rs35377726, ClinGen allele CA6877373.

ClinVar aggregate classification (germline): Likely benign (0 of 4 stars; one submission).

Conditions:
PIWIL1-related disorder. Also called: PIWIL1-related condition.

Allele frequency attached by ClinVar (database versions not stated): ExAC 0.00042; 1000 Genomes Project 30x 0.00062; 1000 Genomes Project 0.00080; gnomAD 0.00113; TOPMed 0.00130; ESP Exome Variant Server 0.00146.
gnomAD v4.1: 331 of 1,614,132 alleles (0.021%); highest among the groups gnomAD compares: African/African-American, 0.37%; no homozygotes.

Submission:

PreventionGenetics, part of Exact Sciences
Classification: Likely benign for PIWIL1-related condition. Last evaluated: 2019-11-25. Review status: no assertion criteria provided. Collection method: clinical testing. Allele origin: germline.
Comment: This variant is classified as likely benign based on ACMG/AMP sequence variant interpretation guidelines (Richards et al. 2015 PMID: 25741868, with internal and published modifications).